The following is an entry in ClinVar:

NM_004656.4(BAP1):c.773C>G (p.Ala258Gly)

Gene: BAP1 (BRCA1 associated deubiquitinase 1; minus strand). Cytogenetic location: 3p21.1.
Variant type: single nucleotide variant.
Coding change: c.773C>G on transcript NM_004656.4 (MANE Select); coding-DNA position 773, C replaced by G.
Protein change: p.Ala258Gly; replaces alanine 258 with glycine.
Molecular consequence: missense variant.
Genome position (GRCh38, 1-based): chr3:52,406,263, G>C on the plus strand (C>G on the coding strand, the complement: BAP1 is on the minus strand). VCF-style: chr3-52406263-G-C. GRCh37 (hg19) VCF-style: chr3-52440279-G-C.
Other names: c.719C>G, p.Ala240Gly (NM_001410772.1); short protein forms A240G, A258G.
Identifiers: ClinVar variation 3819154 (VCV003819154.1).
Genomic context (GRCh38, chr3:52,406,263, plus strand): 5'-AATGCAGGGAGGGTTGGGCTGGGCAGAGGCCAGGAAGAAAGGGCACCTACCTGCTGCAGA[G>C]CCTCTAGTACTGTCTGACGGTTCACCTTCAGCACATGCAGCCTGGCCTCATACTTGATCC-3'
Protein context (NP_004647.1, residues 248-268): LKVNRQTVLE[Ala258Gly]LQQLIRVTQP

ClinVar aggregate classification (germline): Uncertain significance (1 of 4 stars; one submission).

Conditions:
Hereditary cancer-predisposing syndrome. Also called: Hereditary neoplastic syndrome; Neoplastic Syndromes, Hereditary; Tumor predisposition; Hereditary Cancer Syndrome. Identifiers: Orphanet 140162, MedGen C0027672, MeSH D009386, MONDO:0015356.

gnomAD v4.1: 1 of 1,614,192 alleles (0.000062%); highest among the groups gnomAD compares: Non-Finnish European, 0.000085%; no homozygotes.

Submission:

Ambry Genetics
Classification: Uncertain significance for Hereditary cancer-predisposing syndrome. Last evaluated: 2025-01-30. Review status: criteria provided, single submitter. Criteria: Ambry Variant Classification Scheme 2023. Collection method: clinical testing. Allele origin: germline.
Comment: The p.A258G variant (also known as c.773C>G), located in coding exon 9 of the BAP1 gene, results from a C to G substitution at nucleotide position 773. The alanine at codon 258 is replaced by glycine, an amino acid with similar properties. This amino acid position is conserved. In addition, this alteration is predicted to be tolerated by in silico analysis. Based on the available evidence, the clinical significance of this variant remains unclear.